The following is an entry in ClinVar:

ClinVar aggregate classification (germline): Likely benign (0 of 4 stars; one submission).

Conditions:
LGR4-related disorder. Also called: LGR4-related condition.

Allele frequency attached by ClinVar (database versions not stated): ESP Exome Variant Server 0.00008; TOPMed 0.00009; gnomAD 0.00010; 1000 Genomes Project 30x 0.00031; 1000 Genomes Project 0.00040; ExAC 0.00046.

Submission:

PreventionGenetics, part of Exact Sciences
Classification: Likely benign for LGR4-related condition. Last evaluated: 2023-07-29. Review status: no assertion criteria provided. Collection method: clinical testing. Allele origin: germline.
Comment: This variant is classified as likely benign based on ACMG/AMP sequence variant interpretation guidelines (Richards et al. 2015 PMID: 25741868, with internal and published modifications).

NM_018490.5(LGR4):c.1121G>A (p.Arg374His)

Gene: LGR4 (leucine rich repeat containing G protein-coupled receptor 4; minus strand). Cytogenetic location: 11p14.1.
Variant type: single nucleotide variant.
Coding change: c.1121G>A on transcript NM_018490.5 (MANE Select); coding-DNA position 1121, G replaced by A.
Protein change: p.Arg374His; replaces arginine 374 with histidine.
Molecular consequence: missense variant.
Genome position (GRCh38, 1-based): chr11:27,376,359, C>T on the plus strand (G>A on the coding strand, the complement: LGR4 is on the minus strand). VCF-style: chr11-27376359-C-T. GRCh37 (hg19) VCF-style: chr11-27397906-C-T.
Other names: c.1049G>A, p.Arg350His (NM_001346432.2); short protein forms R350H, R374H.
Identifiers: ClinVar variation 3058131 (VCV003058131.2), dbSNP rs371443871, ClinGen allele CA5928491.